The following is an entry in ClinVar:

NM_006904.7(PRKDC):c.5291A>G (p.Glu1764Gly)

Gene: PRKDC (protein kinase, DNA-activated, catalytic subunit; minus strand). Cytogenetic location: 8q11.21.
Variant type: single nucleotide variant.
Coding change: c.5291A>G on transcript NM_006904.7 (MANE Select); coding-DNA position 5291, A replaced by G.
Protein change: p.Glu1764Gly; replaces glutamic acid 1764 with glycine.
Molecular consequence: missense variant.
Genome position (GRCh38, 1-based): chr8:47,877,796, T>C on the plus strand (A>G on the coding strand, the complement: PRKDC is on the minus strand). VCF-style: chr8-47877796-T-C. GRCh37 (hg19) VCF-style: chr8-48790357-T-C.
Other names: c.5291A>G, p.Glu1764Gly (NM_001081640.2); short protein forms E1764G.
Identifiers: ClinVar variation 3225873 (VCV003225873.1), dbSNP rs2551872041, ClinGen allele CA371137786.

ClinVar aggregate classification (germline): Uncertain significance (1 of 4 stars; one submission).

Allele frequency attached by ClinVar (database versions not stated): gnomAD exomes below 0.00001.
gnomAD v4.1: 1 of 1,598,532 alleles (0.000063%); highest among the groups gnomAD compares: Non-Finnish European, 0.000085%; no homozygotes.

Submission:

Ambry Genetics
Classification: Uncertain significance. Last evaluated: 2024-01-25. Review status: criteria provided, single submitter. Criteria: Ambry Variant Classification Scheme 2023. Collection method: clinical testing. Allele origin: germline.
Comment: The p.E1764G variant (also known as c.5291A>G), located in coding exon 40 of the PRKDC gene, results from an A to G substitution at nucleotide position 5291. The glutamic acid at codon 1764 is replaced by glycine, an amino acid with similar properties. This amino acid position is conserved. Based on the available evidence, the clinical significance of this alteration remains unclear.